The following is an entry in ClinVar:

NM_004208.4(AIFM1):c.721A>G (p.Asn241Asp)

Genes: AIFM1 (apoptosis inducing factor mitochondria associated 1; minus strand), RAB33A (RAB33A, member RAS oncogene family; plus strand). Cytogenetic location: Xq26.1.
Variant type: single nucleotide variant.
Coding change: c.721A>G on transcript NM_004208.4 (MANE Select); coding-DNA position 721, A replaced by G.
Protein change: p.Asn241Asp; replaces asparagine 241 with aspartic acid.
Molecular consequence: missense variant. On other transcripts: non-coding transcript variant (1).
Genome position (GRCh38, 1-based): chrX:130,140,593, T>C on the plus strand (A>G on the coding strand, the complement: AIFM1 is on the minus strand). VCF-style: chrX-130140593-T-C. GRCh37 (hg19) VCF-style: chrX-129274568-T-C.
Other names: c.721A>G, p.Asn241Asp (NM_001130847.4); c.709A>G, p.Asn237Asp (NM_145812.3); short protein forms N237D, N241D.
Identifiers: ClinVar variation 1378296 (VCV001378296.6), dbSNP rs778430332, ClinGen allele CA10515402.
Genomic context (GRCh38, chrX:130,140,593, plus strand): 5'-CTGTTGCAATCAAGCACTTTTCATAGGTTATTTGAGAGCCATCATTAAGTTTCACCATGT[T>C]GTCTCTCACATCCAGCTGTACTACCTGGTACAGTCACACACATACACAAAAGAGGTAGAG-3'
Protein context (NP_004199.1, residues 231-251): KKVVQLDVRD[Asn241Asp]MVKLNDGSQI

ClinVar aggregate classification (germline): Uncertain significance (1 of 4 stars; one submission).

Conditions:
Charcot-Marie-Tooth Neuropathy X. Identifiers: MedGen CN118851.
Combined oxidative phosphorylation deficiency. Identifiers: MedGen C4540031, MONDO:0000732.

Allele frequency attached by ClinVar (database versions not stated): gnomAD exomes below 0.00001 and 0.00001; ExAC 0.00001.
gnomAD v4.1: 2 of 1,209,330 alleles (0.00017%); highest among the groups gnomAD compares: Non-Finnish European, 0.00022%; no homozygotes.

Submission:

Labcorp Genetics (formerly Invitae), Labcorp
Classification: Uncertain significance for Charcot-Marie-Tooth Neuropathy X; Combined oxidative phosphorylation deficiency. Last evaluated: 2022-07-29. Review status: criteria provided, single submitter. Criteria: Invitae Variant Classification Sherloc (09022015). Collection method: clinical testing. Allele origin: germline.
Comment: This variant is not present in population databases (gnomAD no frequency). This sequence change replaces asparagine, which is neutral and polar, with aspartic acid, which is acidic and polar, at codon 241 of the AIFM1 protein (p.Asn241Asp). This variant has not been reported in the literature in individuals affected with AIFM1-related conditions. ClinVar contains an entry for this variant (Variation ID: 1378296). Algorithms developed to predict the effect of missense changes on protein structure and function (SIFT, PolyPhen-2, Align-GVGD) all suggest that this variant is likely to be tolerated. In summary, the available evidence is currently insufficient to determine the role of this variant in disease. Therefore, it has been classified as a Variant of Uncertain Significance.